The following is an entry in ClinVar:

ClinVar aggregate classification (germline): Uncertain significance (1 of 4 stars; one submission).

Conditions:
Hereditary cancer-predisposing syndrome. Also called: Tumor predisposition; Hereditary neoplastic syndrome; Neoplastic Syndromes, Hereditary; Hereditary Cancer Syndrome. Identifiers: Orphanet 140162, MedGen C0027672, MeSH D009386, MONDO:0015356.

Submission:

Ambry Genetics
Classification: Uncertain significance for Hereditary cancer-predisposing syndrome. Last evaluated: 2025-03-22. Review status: criteria provided, single submitter. Criteria: Ambry Variant Classification Scheme 2023. Collection method: clinical testing. Allele origin: germline.
Comment: The p.T85I variant (also known as c.254C>T), located in coding exon 2 of the FH gene, results from a C to T substitution at nucleotide position 254. The threonine at codon 85 is replaced by isoleucine, an amino acid with similar properties. This amino acid position is not well conserved in available vertebrate species. In addition, the in silico prediction for this alteration is inconclusive. Based on the available evidence, the clinical significance of this variant remains unclear.

NM_000143.4(FH):c.254C>T (p.Thr85Ile)

Gene: FH (fumarate hydratase; minus strand). Cytogenetic location: 1q43.
Variant type: single nucleotide variant.
Coding change: c.254C>T on transcript NM_000143.4 (MANE Select); coding-DNA position 254, C replaced by T.
Protein change: p.Thr85Ile; replaces threonine 85 with isoleucine.
Molecular consequence: missense variant.
Genome position (GRCh38, 1-based): chr1:241,517,195, G>A on the plus strand (C>T on the coding strand, the complement: FH is on the minus strand). VCF-style: chr1-241517195-G-A. GRCh37 (hg19) VCF-style: chr1-241680495-G-A.
Other names: short protein forms T85I.
Identifiers: ClinVar variation 4024820 (VCV004024820.1).